The following is an entry in ClinVar:

ClinVar aggregate classification (germline): Pathogenic (1 of 4 stars; one submission).

Submission:

ISCA site 4
Classification: Pathogenic. Last evaluated: 2011-08-12. Review status: criteria provided, single submitter. Criteria: Kaminsky et al. (Genet Med. 2011). Collection method: clinical testing. Allele origin: paternal. Affected: yes. Observed: 1 variant allele.
Comment: Copy number variation identified through the course of routine clinical cytogenomic testing in postnatal populations. Clinical assertions have been curated as described in Kaminsky et al. 2011.

GRCh38/hg38 20p12.3(chr20:6336607-8577546)x1

Genes: BMP2 (bone morphogenetic protein 2; plus strand), CASC20 (cancer susceptibility 20; plus strand), HAO1 (hydroxyacid oxidase 1; minus strand), LINC01428 (long intergenic non-protein coding RNA 1428; minus strand), LINC01706 (long intergenic non-protein coding RNA 1706; plus strand) and 27 more. Cytogenetic location: 20p12.3.
Variant type: copy number loss.
Change: copy number 1 (one copy instead of two) of chr20:6,336,607-8,577,546 (2.24 Mb, GRCh38 coordinates, 1-based), cytogenetic band 20p12.3.
Identifiers: ClinVar variation 57236 (VCV000057236.1).